The following is an entry in ClinVar:

NM_001364905.1(LRBA):c.8417A>T (p.Tyr2806Phe)

Gene: LRBA (LPS responsive beige-like anchor protein; minus strand). Cytogenetic location: 4q31.3.
Variant type: single nucleotide variant.
Coding change: c.8417A>T on transcript NM_001364905.1 (MANE Select); coding-DNA position 8417, A replaced by T.
Protein change: p.Tyr2806Phe; replaces tyrosine 2806 with phenylalanine.
Molecular consequence: missense variant.
Genome position (GRCh38, 1-based): chr4:150,277,904, T>A on the plus strand (A>T on the coding strand, the complement: LRBA is on the minus strand). VCF-style: chr4-150277904-T-A. GRCh37 (hg19) VCF-style: chr4-151199056-T-A.
Other names: NC_000004.11:g.151199056T>A; p.Tyr2817Phe; c.8450A>T (NM_006726.4); c.8414A>T, p.Tyr2805Phe (NM_001199282.3); c.8432A>T, p.Tyr2811Phe (NM_001367550.1, NM_001440431.1); c.8465A>T, p.Tyr2822Phe (NM_001440430.1); c.2135A>T, p.Tyr712Phe (NM_001440432.1); c.2129A>T, p.Tyr710Phe (NM_001440433.1); and 1 more; short protein forms Y2805F, Y2822F, Y2817F, Y712F, Y2806F, Y2811F, Y710F.
Identifiers: ClinVar variation 4302863 (VCV004302863.2).

ClinVar aggregate classification (germline): Uncertain significance (1 of 4 stars; one submission).

gnomAD v4.1: 16 of 1,613,980 alleles (0.00099%); highest among the groups gnomAD compares: East Asian, 0.036%; no homozygotes.

Submissions (2):

Mayo Clinic Laboratories, Mayo Clinic
Classification: Uncertain significance. Last evaluated: 2025-10-31. Review status: criteria provided, single submitter. Criteria: ACMG Guidelines, 2015. Collection method: clinical testing. Allele origin: germline. Observed: 1 variant allele.
Comment: BP4

Dr. Peter K. Rogan Lab, Western University
No classification provided (evidence only). Condition: Hepatocellular carcinoma. Review status: no classification provided. Collection method: in vitro. Allele origin: not applicable. Functional consequence: skipped exon, retained intron. Not counted in ClinVar's aggregate classification.